The following is an entry in ClinVar:

NM_000540.3(RYR1):c.3684C>G (p.Asn1228Lys)

Gene: RYR1 (ryanodine receptor 1; plus strand). Cytogenetic location: 19q13.2.
Variant type: single nucleotide variant.
Coding change: c.3684C>G on transcript NM_000540.3 (MANE Select); coding-DNA position 3684, C replaced by G.
Protein change: p.Asn1228Lys; replaces asparagine 1228 with lysine.
Molecular consequence: missense variant.
Genome position (GRCh38, 1-based): chr19:38,469,432, C>G. VCF-style: chr19-38469432-C-G. GRCh37 (hg19) VCF-style: chr19-38960072-C-G.
Other names: c.3684C>G, p.Asn1228Lys (NM_001042723.2); short protein forms N1228K.
Identifiers: ClinVar variation 2709478 (VCV002709478.3), dbSNP rs2514117360, ClinGen allele CA405639604.
Genomic context (GRCh38, chr19:38,469,432, plus strand): 5'-CTCTCTGAGGTTCTTTGCCATCTGTGGCCTCCAGGAAGGCTTCGAGCCATTTGCCATCAA[C>G]ATGCAGCGCCCAGTCACCACCTGGTTCAGCAAAGGCCTGCCCCAGTTTGAGCCAGTGCCC-3'
Protein context (NP_000531.2, residues 1218-1238): LQEGFEPFAI[Asn1228Lys]MQRPVTTWFS

ClinVar aggregate classification (germline): Uncertain significance (1 of 4 stars; one submission).

Conditions:
RYR1-related disorder. Also called: RYR1-related condition; RYR1-related disorders. Identifiers: MedGen CN239331.

Submission:

Labcorp Genetics (formerly Invitae), Labcorp
Classification: Uncertain significance for RYR1-related disorder. Last evaluated: 2024-01-15. Review status: criteria provided, single submitter. Criteria: Invitae Variant Classification Sherloc (09022015). Collection method: clinical testing. Allele origin: germline.
Comment: This sequence change replaces asparagine, which is neutral and polar, with lysine, which is basic and polar, at codon 1228 of the RYR1 protein (p.Asn1228Lys). This variant is not present in population databases (gnomAD no frequency). This variant has not been reported in the literature in individuals affected with RYR1-related conditions. Advanced modeling of protein sequence and biophysical properties (such as structural, functional, and spatial information, amino acid conservation, physicochemical variation, residue mobility, and thermodynamic stability) performed at Invitae indicates that this missense variant is expected to disrupt RYR1 protein function with a positive predictive value of 80%. In summary, the available evidence is currently insufficient to determine the role of this variant in disease. Therefore, it has been classified as a Variant of Uncertain Significance.